The following is an entry in ClinVar:

NM_003467.3(CXCR4):c.954del (p.Ser319fs)

Gene: CXCR4 (C-X-C motif chemokine receptor 4; minus strand). Cytogenetic location: 2q22.1.
Variant type: Deletion.
Coding change: c.954del on transcript NM_003467.3 (MANE Select); coding-DNA position 954, one base deleted (C; older notation c.954delC).
Protein change: p.Ser319fs; shifts the reading frame from serine 319.
Molecular consequence: frameshift variant.
Genome position (GRCh38, 1-based): chr2:136,114,974, G deleted on the plus strand (C on the coding strand, the reverse complement: CXCR4 is on the minus strand); the first of 2 consecutive G bases (chr2:136,114,974-136,114,975); deleting either gives the same sequence. VCF-style (leftmost placement, unchanged base first): chr2-136114973-AG-A. GRCh37 (hg19) VCF-style: chr2-136872543-AG-A.
Other names: c.966del, p.Ser323fs (NM_001008540.2); c.1167del, p.Ser390fs (NM_001348056.2); c.1053del, p.Ser352fs (NM_001348059.2); c.909del, p.Ser304fs (NM_001348060.2); short protein forms S304fs, S319fs, S323fs, S352fs, S390fs.
Identifiers: ClinVar variation 3902808 (VCV003902808.2).

ClinVar aggregate classification (germline): Pathogenic (1 of 4 stars; one submission).

Conditions:
WHIM syndrome 1 (WHIMS). Identifiers: Orphanet 51636, MedGen C5542296, MONDO:8000006, OMIM 193670.

Submission:

Research Department, X4 Pharmaceuticals (Austria) GmbH
Classification: Pathogenic for WHIM syndrome 1. Last evaluated: 2025-06-03. Review status: criteria provided, single submitter. Criteria: ACMG Guidelines, 2015. Collection method: curation, in vitro. Allele origin: germline, not applicable. Inheritance: Autosomal dominant inheritance. Affected: yes. Observed: 1 variant allele, 1 heterozygote. Functional consequence: gain_of_function_variant.
Comment: The p.Ser319Leufs*2 frameshift variant has been observed in an individual with CXCR4-related conditions (PMID: 34697698, 35947323). Experimental studies have shown that this premature translational stop signal affects CXCR4 function (PMID: 35947323). This variant is located in a region of the CXCR4 protein where a significant number of CXCR4 nonsense and frameshift mutations have been reported in association with autosomal dominant WHIM syndrome (PMID: 31313072, 32784523, 35947323, 36089616). This variant is not present in population databases (gnomAD no frequency).

Literature cited by the submitters: PubMed 34697698; PubMed 35947323.